The following is an entry in ClinVar:

NM_032539.5(SLITRK2):c.1411A>G (p.Ile471Val)

Gene: SLITRK2 (SLIT and NTRK like family member 2; plus strand). Cytogenetic location: Xq27.3.
Variant type: single nucleotide variant.
Coding change: c.1411A>G on transcript NM_032539.5 (MANE Select); coding-DNA position 1411, A replaced by G.
Protein change: p.Ile471Val; replaces isoleucine 471 with valine.
Molecular consequence: missense variant.
Genome position (GRCh38, 1-based): chrX:145,823,836, A>G. VCF-style: chrX-145823836-A-G. GRCh37 (hg19) VCF-style: chrX-144905354-A-G.
Other names: c.1411A>G, p.Ile471Val (NM_001144003.3, NM_001144004.3, NM_001144005.3 and 4 more transcripts); short protein forms I471V.
Identifiers: ClinVar variation 4999166 (VCV004999166.1).

ClinVar aggregate classification (germline): Uncertain significance (1 of 4 stars; one submission).

Conditions:
SLITRK2-related condition.

Submission:

PreventionGenetics, part of Exact Sciences
Classification: Uncertain significance for SLITRK2-related condition. Last evaluated: 2025-05-28. Review status: criteria provided, single submitter. Criteria: ACMG Guidelines, 2015. Collection method: clinical testing. Allele origin: germline.
Comment: The SLITRK2 c.1411A>G variant is predicted to result in the amino acid substitution p.Ile471Val. To our knowledge, this variant has not been reported in the literature or in a large population database (gnomAD), indicating this variant is rare. At this time, the clinical significance of this variant is uncertain due to the absence of conclusive functional and genetic evidence.